The following is an entry in ClinVar:

ClinVar aggregate classification (germline): Uncertain significance (1 of 4 stars; one submission).

Allele frequency attached by ClinVar (database versions not stated): gnomAD 0.00001; TOPMed 0.00001; ExAC 0.00002; ESP Exome Variant Server 0.00008.

Submission:

Labcorp Genetics (formerly Invitae), Labcorp
Classification: Uncertain significance. Last evaluated: 2025-09-02. Review status: criteria provided, single submitter. Criteria: Invitae Variant Classification Sherloc (09022015). Collection method: clinical testing. Allele origin: germline.
Comment: This sequence change replaces glycine, which is neutral and non-polar, with serine, which is neutral and polar, at codon 201 of the GUCA1A protein (p.Gly201Ser). The frequency data for this variant in the population databases is considered unreliable, as metrics indicate poor data quality at this position in the gnomAD database. This variant has not been reported in the literature in individuals affected with GUCA1A-related conditions. ClinVar contains an entry for this variant (Variation ID: 1515266). An algorithm developed to predict the effect of missense changes on protein structure and function outputs the following: PolyPhen-2: "Not Available". The serine amino acid residue is found in multiple mammalian species, which suggests that this missense change does not adversely affect protein function. In summary, the available evidence is currently insufficient to determine the role of this variant in disease. Therefore, it has been classified as a Variant of Uncertain Significance.

NM_001384910.1(GUCA1A):c.601G>A (p.Gly201Ser)

Genes: GUCA1A (guanylate cyclase activator 1A; plus strand), GUCA1ANB-GUCA1A (GUCA1ANB-GUCA1A readthrough; plus strand). Cytogenetic location: 6p21.1.
Variant type: single nucleotide variant.
Coding change: c.601G>A on transcript NM_001384910.1 (MANE Select); coding-DNA position 601, G replaced by A.
Protein change: p.Gly201Ser; replaces glycine 201 with serine.
Molecular consequence: missense variant.
Genome position (GRCh38, 1-based): chr6:42,179,398, G>A. VCF-style: chr6-42179398-G-A. GRCh37 (hg19) VCF-style: chr6-42147136-G-A.
Other names: c.601G>A, p.Gly201Ser (NM_000409.5, NM_001319061.2, NM_001319062.2); short protein forms G201S.
Identifiers: ClinVar variation 1515266 (VCV001515266.6), dbSNP rs373990138, ClinGen allele CA3805454.